The following is an entry in ClinVar:

NM_006005.3(WFS1):c.1018T>G (p.Phe340Val)

Gene: WFS1 (wolframin ER transmembrane glycoprotein; plus strand). Cytogenetic location: 4p16.1.
Variant type: single nucleotide variant.
Coding change: c.1018T>G on transcript NM_006005.3 (MANE Select); coding-DNA position 1018, T replaced by G.
Protein change: p.Phe340Val; replaces phenylalanine 340 with valine.
Molecular consequence: missense variant.
Genome position (GRCh38, 1-based): chr4:6,300,813, T>G. VCF-style: chr4-6300813-T-G. GRCh37 (hg19) VCF-style: chr4-6302540-T-G.
Other names: c.1018T>G, p.Phe340Val (NM_001145853.1); short protein forms F340V.
Identifiers: ClinVar variation 4767215 (VCV004767215.1).

ClinVar aggregate classification (germline): Uncertain significance (1 of 4 stars; one submission).

gnomAD v4.1: 1 of 1,613,970 alleles (0.000062%); highest among the groups gnomAD compares: Non-Finnish European, 0.000085%; no homozygotes.

Submission:

Labcorp Genetics (formerly Invitae), Labcorp
Classification: Uncertain significance. Last evaluated: 2025-04-08. Review status: criteria provided, single submitter. Criteria: Invitae Variant Classification Sherloc (09022015). Collection method: clinical testing. Allele origin: germline.
Comment: This sequence change replaces phenylalanine, which is neutral and non-polar, with valine, which is neutral and non-polar, at codon 340 of the WFS1 protein (p.Phe340Val). This variant is not present in population databases (gnomAD no frequency). This variant has not been reported in the literature in individuals affected with WFS1-related conditions. Invitae Evidence Modeling of protein sequence and biophysical properties (such as structural, functional, and spatial information, amino acid conservation, physicochemical variation, residue mobility, and thermodynamic stability) indicates that this missense variant is not expected to disrupt WFS1 protein function with a negative predictive value of 95%. In summary, the available evidence is currently insufficient to determine the role of this variant in disease. Therefore, it has been classified as a Variant of Uncertain Significance.